The following is an entry in ClinVar:

NM_001854.4(COL11A1):c.4388C>A (p.Pro1463His)

Gene: COL11A1 (collagen type XI alpha 1 chain; minus strand). Cytogenetic location: 1p21.1.
Variant type: single nucleotide variant.
Coding change: c.4388C>A on transcript NM_001854.4 (MANE Select); coding-DNA position 4388, C replaced by A.
Protein change: p.Pro1463His; replaces proline 1463 with histidine.
Molecular consequence: missense variant. On other transcripts: non-coding transcript variant (1).
Genome position (GRCh38, 1-based): chr1:102,889,531, G>T on the plus strand (C>A on the coding strand, the complement: COL11A1 is on the minus strand). VCF-style: chr1-102889531-G-T. GRCh37 (hg19) VCF-style: chr1-103355087-G-T.
Other names: c.4271C>A, p.Pro1424His (NM_001190709.2); c.4424C>A, p.Pro1475His (NM_080629.3); c.4040C>A, p.Pro1347His (NM_080630.4); c.4388C>A (NM_001854.3); short protein forms P1347H, P1424H, P1463H, P1475H.
Identifiers: ClinVar variation 1060287 (VCV001060287.10), dbSNP rs202194245, ClinGen allele CA973552.

ClinVar aggregate classification (germline): Conflicting classifications of pathogenicity. Review status: criteria provided, conflicting classifications (1 of 4 stars). 2 submissions from 2 submitters: Uncertain significance (1); Likely benign (1). Last evaluated 2024-09-24.

Conditions:
Stickler syndrome type 2 (STL2). Also called: COL11A1-Related Stickler Syndrome; STICKLER SYNDROME, BEADED VITREOUS TYPE; STICKLER SYNDROME, VITREOUS TYPE 2; STICKLER SYNDROME, TYPE II. Identifiers: Orphanet 828, Orphanet 90654, MedGen C1858084, MONDO:0011493, OMIM 604841.

Allele frequency attached by ClinVar (database versions not stated): gnomAD 0.00001; gnomAD exomes 0.00001; ExAC 0.00002.
gnomAD v4.1: 37 of 1,613,368 alleles (0.0023%); highest among the groups gnomAD compares: Non-Finnish European, 0.0031%; no homozygotes.

Submissions (2):

Labcorp Genetics (formerly Invitae), Labcorp
Classification: Likely benign. Last evaluated: 2024-09-24. Review status: criteria provided, single submitter. Criteria: Invitae Variant Classification Sherloc (09022015). Collection method: clinical testing. Allele origin: germline.

Victorian Clinical Genetics Services, Murdoch Childrens Research Institute
Classification: Uncertain significance for Stickler syndrome type 2. Last evaluated: 2022-06-24. Review status: criteria provided, single submitter. Criteria: ACMG Guidelines, 2015. Collection method: clinical testing. Allele origin: germline. Inheritance: Autosomal dominant inheritance. Affected: yes.
Comment: Based on the classification scheme VCGS_Germline_v1.3.4, this variant is classified as VUS-3B. Following criteria are met: 0102 - Loss of function is a known mechanism of disease in this gene and is associated with Stickler syndrome, type II (MIM#604841). Dominant negative is also a suggested mechanism (OMIM). (I) 0108 - This gene is associated with both recessive and dominant disease. Both missense variants and those predicted to result in a truncated protein have been reported to cause both recessive and dominant modes of disease. Marshall syndrome and Stickler syndrome have been reported with both dominant and recessive modes of inheritance (PMIDs: 32578940, 25073711), and the latter is usually caused by variants within exon 9. (I) 0115 - Variants in this gene causing Stickler syndrome are known to have variable expressivity (PMID: 27081569). (I) 0200 - Variant is predicted to result in a missense amino acid change from proline to histidine. (I) 0251 - This variant is heterozygous. (I) 0302 - Variant is present in gnomAD (v2) <0.001 for a dominant condition (3 heterozygotes, 0 homozygotes). (SP) 0309 - An alternative amino acid change at the same position has been observed in gnomAD (v3) (1 heterozygote, 0 homozygotes). (I) 0501 - Missense variant consistently predicted to be damaging by multiple in silico tools or highly conserved with a major amino acid change. (SP) 0600 - Variant is located in the annotated collagen repeat domain (DECIPHER). (I) 0705 - No comparable missense variants have previous evidence for pathogenicity. (I) 0809 - Previous evidence of pathogenicity for this variant is inconclusive. This variant has been classified as a VUS once by a clinical laboratory in ClinVar. (I) 0905 - No published segregation evidence has been identified for this variant. (I) 1007 - No published functional evidence has been identified for this variant. (I) 1208 - Inheritance information for this variant is not currently available in this individual. (I) Legend: (SP) - Supporting pathogenic, (I) - Information, (SB) - Supporting benign

Literature cited by the submitters: PubMed 25073711 (cited by Victorian Clinical Genetics Services, Murdoch Childrens Research Institute); PubMed 27081569 (cited by Victorian Clinical Genetics Services, Murdoch Childrens Research Institute); PubMed 32578940 (cited by Victorian Clinical Genetics Services, Murdoch Childrens Research Institute).